The following is an entry in ClinVar:

NM_015898.4(ZBTB7A):c.47A>C (p.His16Pro)

Gene: ZBTB7A (zinc finger and BTB domain containing 7A; minus strand). Cytogenetic location: 19p13.3.
Variant type: single nucleotide variant.
Coding change: c.47A>C on transcript NM_015898.4 (MANE Select); coding-DNA position 47, A replaced by C.
Protein change: p.His16Pro; replaces histidine 16 with proline.
Molecular consequence: missense variant.
Genome position (GRCh38, 1-based): chr19:4,055,186, T>G on the plus strand (A>C on the coding strand, the complement: ZBTB7A is on the minus strand). VCF-style: chr19-4055186-T-G. GRCh37 (hg19) VCF-style: chr19-4055184-T-G.
Other names: c.47A>C, p.His16Pro (NM_001317990.2); short protein forms H16P.
Identifiers: ClinVar variation 4076337 (VCV004076337.1).

ClinVar aggregate classification (germline): Uncertain significance (1 of 4 stars; one submission).

Conditions:
Macrocephaly, neurodevelopmental delay, lymphoid hyperplasia, and persistent fetal hemoglobin (MNDLFH). Identifiers: Orphanet 694956, MedGen C5676928, MONDO:0859231, OMIM 619769.

Submission:

Laboratorio de Genetica e Diagnostico Molecular, Hospital Israelita Albert Einstein
Classification: Uncertain significance for Macrocephaly, neurodevelopmental delay, lymphoid hyperplasia, and persistent fetal hemoglobin. Last evaluated: 2024-09-13. Review status: criteria provided, single submitter. Criteria: ACMG Guidelines, 2015. Collection method: clinical testing. Allele origin: germline. Affected: yes.
Comment: ACMG classification criteria: PM2 supporting, PP3 supporting